The following is an entry in ClinVar:

ClinVar aggregate classification (germline): Uncertain significance (1 of 4 stars; one submission).

Submission:

GeneDx
Classification: Uncertain significance. Last evaluated: 2024-02-29. Review status: criteria provided, single submitter. Criteria: GeneDx Variant Classification Process June 2021. Collection method: clinical testing. Allele origin: germline. Affected: yes.
Comment: Not observed at significant frequency in large population cohorts (gnomAD); In silico analysis supports that this missense variant does not alter protein structure/function; Has not been previously published as pathogenic or benign to our knowledge

NM_001080517.3(SETD5):c.3295G>C (p.Ala1099Pro)

Gene: SETD5 (SET domain containing 5; plus strand). Cytogenetic location: 3p25.3.
Variant type: single nucleotide variant.
Coding change: c.3295G>C on transcript NM_001080517.3 (MANE Select); coding-DNA position 3295, G replaced by C.
Protein change: p.Ala1099Pro; replaces alanine 1099 with proline.
Molecular consequence: missense variant.
Genome position (GRCh38, 1-based): chr3:9,473,335, G>C. VCF-style: chr3-9473335-G-C. GRCh37 (hg19) VCF-style: chr3-9515019-G-C.
Other names: c.3001G>C, p.Ala1001Pro (NM_001292043.2, NM_001349451.2); short protein forms A1001P, A1099P.
Identifiers: ClinVar variation 3373530 (VCV003373530.1).